The following is an entry in ClinVar:

ClinVar aggregate classification (germline): Likely benign (1 of 4 stars; one submission).

Allele frequency attached by ClinVar (database versions not stated): gnomAD exomes below 0.00001; TOPMed 0.00001.
gnomAD v4.1: 1 of 1,613,050 alleles (0.000062%); highest among the groups gnomAD compares: Non-Finnish European, 0.000085%; no homozygotes.

Submission:

CeGaT Center for Human Genetics Tuebingen
Classification: Likely benign. Last evaluated: 2022-03-01. Review status: criteria provided, single submitter. Criteria: CeGaT Center For Human Genetics Tuebingen Variant Classification Criteria Version 2. Collection method: clinical testing. Allele origin: germline. Affected: yes. Observed: 1 variant allele.
Comment: RALGAPA1: BP4, BP7

NM_001346249.2(RALGAPA1):c.942G>A (p.Leu314=)

Gene: RALGAPA1 (Ral GTPase activating protein catalytic subunit alpha 1; minus strand). Cytogenetic location: 14q13.2.
Variant type: single nucleotide variant.
Coding change: c.942G>A on transcript NM_001346249.2 (MANE Select); coding-DNA position 942, G replaced by A.
Protein change: p.Leu314=; no amino-acid change (leucine 314 retained).
Molecular consequence: synonymous variant.
Genome position (GRCh38, 1-based): chr14:35,750,551, C>T on the plus strand (G>A on the coding strand, the complement: RALGAPA1 is on the minus strand). VCF-style: chr14-35750551-C-T. GRCh37 (hg19) VCF-style: chr14-36219757-C-T.
Other names: c.942G>A, p.Leu314= (NM_194301.4, NM_014990.3, NM_001283043.3 and 7 more transcripts).
Identifiers: ClinVar variation 1675539 (VCV001675539.33), dbSNP rs2072582752, ClinGen allele CA486032405.